The following is an entry in ClinVar:

NM_000237.3(LPL):c.1295G>C (p.Arg432Thr)

Gene: LPL (lipoprotein lipase; plus strand). Cytogenetic location: 8p21.3.
Variant type: single nucleotide variant.
Coding change: c.1295G>C on transcript NM_000237.3 (MANE Select); coding-DNA position 1295, G replaced by C.
Protein change: p.Arg432Thr; replaces arginine 432 with threonine.
Molecular consequence: missense variant.
Genome position (GRCh38, 1-based): chr8:19,961,056, G>C. VCF-style: chr8-19961056-G-C. GRCh37 (hg19) VCF-style: chr8-19818567-G-C.
Other names: short protein forms R432T.
Identifiers: ClinVar variation 3234449 (VCV003234449.20), dbSNP rs760824086, ClinGen allele CA4655692.

ClinVar aggregate classification (germline): Uncertain significance (1 of 4 stars; one submission).

Allele frequency attached by ClinVar (database versions not stated): gnomAD exomes 0.00001; ExAC 0.00002.
gnomAD v4.1: 16 of 1,614,116 alleles (0.00099%); highest among the groups gnomAD compares: Middle Eastern, 0.016%; 1 homozygote.

Submission:

CeGaT Center for Human Genetics Tuebingen
Classification: Uncertain significance. Last evaluated: 2024-04-01. Review status: criteria provided, single submitter. Criteria: CeGaT Center For Human Genetics Tuebingen Variant Classification Criteria Version 2. Collection method: clinical testing. Allele origin: germline. Affected: yes. Observed: 1 variant allele.
Comment: LPL: PM2